The following is an entry in ClinVar:

NM_004380.3(CREBBP):c.3503A>G (p.Asn1168Ser)

Gene: CREBBP (CREB binding lysine acetyltransferase; minus strand). Cytogenetic location: 16p13.3.
Variant type: single nucleotide variant.
Coding change: c.3503A>G on transcript NM_004380.3 (MANE Select); coding-DNA position 3503, A replaced by G.
Protein change: p.Asn1168Ser; replaces asparagine 1168 with serine.
Molecular consequence: missense variant.
Genome position (GRCh38, 1-based): chr16:3,757,915, T>C on the plus strand (A>G on the coding strand, the complement: CREBBP is on the minus strand). VCF-style: chr16-3757915-T-C. GRCh37 (hg19) VCF-style: chr16-3807916-T-C.
Other names: c.3389A>G, p.Asn1130Ser (NM_001079846.1); short protein forms N1130S, N1168S.
Identifiers: ClinVar variation 4280608 (VCV004280608.1).

ClinVar aggregate classification (germline): Uncertain significance (1 of 4 stars; one submission).

Conditions:
Rubinstein-Taybi syndrome due to CREBBP mutations (RSTS1). Also called: RUBINSTEIN SYNDROME; Rubinstein-Taybi syndrome 1; BROAD THUMBS AND GREAT TOES, CHARACTERISTIC FACIES, AND IMPAIRED INTELLECTUAL DEVELOPMENT; RUBINSTEIN-TAYBI SYNDROME 1, INCOMPLETE; BROAD THUMB-HALLUX SYNDROME; CREBBP-Related Rubinstein-Taybi Syndrome. Identifiers: Orphanet 353277, Orphanet 783, MedGen C4551859, MONDO:0008393, OMIM 180849.

Submission:

Department of Paediatric Medicine, Post Graduation Institute of Medical Education and Research
Classification: Uncertain significance for Rubinstein-Taybi syndrome due to CREBBP mutations. Last evaluated: 2025-10-01. Review status: criteria provided, single submitter. Criteria: ACMG Guidelines, 2015. Collection method: clinical testing. Allele origin: de novo. Inheritance: Autosomal dominant inheritance. Affected: yes. Observed: 1 variant allele, 1 heterozygote.
Comment: This missense variant c.3503A>G;p.(Asn1168Ser) is not reported in gnomAD and 1000G. Insilico prediction tools suggested damaging effect. Parental segregation was done and variant was found to be denovo.